The following is an entry in ClinVar:

ClinVar aggregate classification (germline): Uncertain significance (1 of 4 stars; one submission).

Allele frequency attached by ClinVar (database versions not stated): TOPMed below 0.00001; gnomAD 0.00001; gnomAD exomes 0.00001.
gnomAD v4.1: 11 of 1,614,090 alleles (0.00068%); highest among the groups gnomAD compares: Non-Finnish European, 0.00076%; no homozygotes.

Submission:

Labcorp Genetics (formerly Invitae), Labcorp
Classification: Uncertain significance. Last evaluated: 2023-08-30. Review status: criteria provided, single submitter. Criteria: Invitae Variant Classification Sherloc (09022015). Collection method: clinical testing. Allele origin: germline.
Comment: This variant has not been reported in the literature in individuals affected with PRPF8-related conditions. This sequence change replaces aspartic acid, which is acidic and polar, with histidine, which is basic and polar, at codon 374 of the PRPF8 protein (p.Asp374His). This variant is present in population databases (no rsID available, gnomAD 0.007%). ClinVar contains an entry for this variant (Variation ID: 1058700). Advanced modeling of protein sequence and biophysical properties (such as structural, functional, and spatial information, amino acid conservation, physicochemical variation, residue mobility, and thermodynamic stability) performed at Invitae indicates that this missense variant is not expected to disrupt PRPF8 protein function. In summary, the available evidence is currently insufficient to determine the role of this variant in disease. Therefore, it has been classified as a Variant of Uncertain Significance.

NM_006445.4(PRPF8):c.1120G>C (p.Asp374His)

Gene: PRPF8 (pre-mRNA processing factor 8; minus strand). Cytogenetic location: 17p13.3.
Variant type: single nucleotide variant.
Coding change: c.1120G>C on transcript NM_006445.4 (MANE Select); coding-DNA position 1120, G replaced by C.
Protein change: p.Asp374His; replaces aspartic acid 374 with histidine.
Molecular consequence: missense variant.
Genome position (GRCh38, 1-based): chr17:1,679,778, C>G on the plus strand (G>C on the coding strand, the complement: PRPF8 is on the minus strand). VCF-style: chr17-1679778-C-G. GRCh37 (hg19) VCF-style: chr17-1583072-C-G.
Other names: short protein forms D374H.
Identifiers: ClinVar variation 1058700 (VCV001058700.5), dbSNP rs1336664460, ClinGen allele CA397565304.